The following is an entry in ClinVar:

ClinVar aggregate classification (germline): Likely pathogenic. Review status: criteria provided, multiple submitters, no conflicts (2 of 4 stars). 4 submissions from 4 submitters: Likely pathogenic (4). Last evaluated 2025-04-12.

Conditions:
Sulfite oxidase deficiency. Also called: Isolated sulfite oxidase deficiency. Identifiers: Orphanet 833, Orphanet 99731, MedGen C0268624, MONDO:0010089, OMIM 272300, HP:0003643.
Sulfocysteinuria. Identifiers: MedGen C2931746, HP:0032350.

Allele frequency attached by ClinVar (database versions not stated): gnomAD exomes 0.00001 and 0.00002; gnomAD 0.00001; ExAC 0.00002; TOPMed 0.00002.

Submissions (4):

Dasa
Classification: Likely pathogenic for isolated sulfite oxidase deficiency. Last evaluated: 2025-04-12. Review status: criteria provided, single submitter. Criteria: DASA Assertion Criteria. Collection method: clinical testing. Allele origin: germline.
Comment: NM_001032386.2(SUOX):c.1534G>T (p.Asp512Tyr) is a missense variant that results in the substitution of aspartic acid with tyrosine. The affected residue or protein region has prior evidence supporting clinical relevance. This variant has been recurrently observed in individuals with SUOX-related disorders (PMID: 25758000; PMID: 22865819). Functional evidence supports an impact on the gene or gene product. Also, this variant is rare in population databases. Computational evidence supports a deleterious effect. Based on the currently available evidence, this variant is classified as likely pathogenic.

Labcorp Genetics (formerly Invitae), Labcorp
Classification: Likely pathogenic for Sulfite oxidase deficiency. Last evaluated: 2024-10-21. Review status: criteria provided, single submitter. Criteria: Invitae Variant Classification Sherloc (09022015). Collection method: clinical testing. Allele origin: germline.
Comment: This sequence change replaces aspartic acid, which is acidic and polar, with tyrosine, which is neutral and polar, at codon 512 of the SUOX protein (p.Asp512Tyr). This variant is present in population databases (rs770792767, gnomAD 0.009%). This missense change has been observed in individual(s) with sulfite oxidase deficiency (PMID: 25758000). In at least one individual the data is consistent with being in trans (on the opposite chromosome) from a pathogenic variant. ClinVar contains an entry for this variant (Variation ID: 802865). Invitae Evidence Modeling of protein sequence and biophysical properties (such as structural, functional, and spatial information, amino acid conservation, physicochemical variation, residue mobility, and thermodynamic stability) indicates that this missense variant is expected to disrupt SUOX protein function with a positive predictive value of 95%. Experimental studies have shown that this missense change affects SUOX function (PMID: 34420858). In summary, the currently available evidence indicates that the variant is pathogenic, but additional data are needed to prove that conclusively. Therefore, this variant has been classified as Likely Pathogenic.

Women's Health and Genetics/Laboratory Corporation of America, LabCorp
Classification: Likely pathogenic for Sulfocysteinuria. Last evaluated: 2024-08-13. Review status: criteria provided, single submitter. Criteria: LabCorp Variant Classification Summary - May 2015. Collection method: clinical testing. Allele origin: germline.
Comment: Variant summary: SUOX c.1534G>T (p.Asp512Tyr) results in a non-conservative amino acid change located in the Moybdenum cofactor oxidoreductase, dimerisation domain of the encoded protein sequence. Five of five in-silico tools predict a damaging effect of the variant on protein function. The variant allele was found at a frequency of 2.4e-05 in 251496 control chromosomes.c.1534G>T has been reported in the literature in at least one individual affected with Sulfite Oxidase Deficiency (Relinque_2015). These data do not allow any conclusion about variant significance. At least one publication reports experimental evidence evaluating an impact on protein function. The most pronounced variant effect results in no detectable activity (Kaczmarek_2021). The following publications have been ascertained in the context of this evaluation (PMID: 22865819, 34420858, 25758000). ClinVar contains an entry for this variant (Variation ID: 802865). Based on the evidence outlined above, the variant was classified as likely pathogenic.

Mendelics
Classification: Likely pathogenic for Sulfite oxidase deficiency. Last evaluated: 2019-05-28. Review status: criteria provided, single submitter. Criteria: Mendelics Assertion Criteria 2017. Collection method: clinical testing. Allele origin: unknown.

Literature cited by the submitters: PubMed 25758000 (cited by 3 submitters); PubMed 22865819 (cited by Dasa and Women's Health and Genetics/Laboratory Corporation of America, LabCorp); PubMed 34420858 (cited by 3 submitters).

NM_001032386.2(SUOX):c.1534G>T (p.Asp512Tyr)

Gene: SUOX (sulfite oxidase; plus strand). Cytogenetic location: 12q13.2.
Variant type: single nucleotide variant.
Coding change: c.1534G>T on transcript NM_001032386.2 (MANE Select); coding-DNA position 1534, G replaced by T.
Protein change: p.Asp512Tyr; replaces aspartic acid 512 with tyrosine.
Molecular consequence: missense variant.
Genome position (GRCh38, 1-based): chr12:56,004,923, G>T. VCF-style: chr12-56004923-G-T. GRCh37 (hg19) VCF-style: chr12-56398707-G-T.
Other names: c.1534G>T, p.Asp512Tyr (NM_000456.3, NM_001032387.2); short protein forms D512Y.
Identifiers: ClinVar variation 802865 (VCV000802865.16), dbSNP rs770792767, ClinGen allele CA6621176.